The following is an entry in ClinVar:

ClinVar aggregate classification (germline): Conflicting classifications of pathogenicity. Review status: criteria provided, conflicting classifications (1 of 4 stars). 3 submissions from 3 submitters: Uncertain significance (2); Likely benign (1). Last evaluated 2026-02-03.

Conditions:
Intellectual developmental disorder, autosomal dominant 1. Also called: Intellectual disability, autosomal dominant 1; MBD5 Haploinsufficiency. Identifiers: Orphanet 228402, MedGen C1969562, MONDO:0007974, OMIM 156200.

gnomAD v4.1: 4 of 1,613,964 alleles (0.00025%); highest among the groups gnomAD compares: Admixed American, 0.005%; no homozygotes.

Submissions (3):

Labcorp Genetics (formerly Invitae), Labcorp
Classification: Uncertain significance for Intellectual developmental disorder, autosomal dominant 1. Last evaluated: 2026-02-03. Review status: criteria provided, single submitter. Criteria: Invitae Variant Classification Sherloc (09022015). Collection method: clinical testing. Allele origin: germline.
Comment: This sequence change replaces proline, which is neutral and non-polar, with serine, which is neutral and polar, at codon 663 of the MBD5 protein (p.Pro663Ser). This variant is present in population databases (no rsID available, gnomAD 0.01%). This variant has not been reported in the literature in individuals affected with MBD5-related conditions. ClinVar contains an entry for this variant (Variation ID: 381255). Invitae Evidence Modeling of protein sequence and biophysical properties (such as structural, functional, and spatial information, amino acid conservation, physicochemical variation, residue mobility, and thermodynamic stability) indicates that this missense variant is not expected to disrupt MBD5 protein function with a negative predictive value of 80%. In summary, the available evidence is currently insufficient to determine the role of this variant in disease. Therefore, it has been classified as a Variant of Uncertain Significance.

Women's Health and Genetics/Laboratory Corporation of America, LabCorp
Classification: Uncertain significance. Last evaluated: 2025-02-20. Review status: criteria provided, single submitter. Criteria: LabCorp Variant Classification Summary - May 2015. Collection method: clinical testing. Allele origin: germline.
Comment: Variant summary: MBD5 c.1987C>T (p.Pro663Ser) results in a non-conservative amino acid change in the encoded protein sequence. Three of five in-silico tools predict a benign effect of the variant on protein function. The variant allele was found at a frequency of 1.6e-05 in 250622 control chromosomes. The available data on variant occurrences in the general population are insufficient to allow any conclusion about variant significance. To our knowledge, no occurrence of c.1987C>T in individuals affected with MBD5 Associated Neurodevelopmental Disorder and no experimental evidence demonstrating its impact on protein function have been reported. ClinVar contains an entry for this variant (Variation ID: 381255). Based on the evidence outlined above, the variant was classified as uncertain significance.

GeneDx
Classification: Likely benign. Last evaluated: 2015-11-05. Review status: criteria provided, single submitter. Criteria: GeneDx Variant Classification (06012015). Collection method: clinical testing. Allele origin: germline. Affected: yes.
Comment: This variant is considered likely benign or benign based on one or more of the following criteria: it is a conservative change, it occurs at a poorly conserved position in the protein, it is predicted to be benign by multiple in silico algorithms, and/or has population frequency not consistent with disease.

NM_001378120.1(MBD5):c.1987C>T (p.Pro663Ser)

Gene: MBD5 (methyl-CpG binding domain protein 5; plus strand). Cytogenetic location: 2q23.1.
Variant type: single nucleotide variant.
Coding change: c.1987C>T on transcript NM_001378120.1 (MANE Select); coding-DNA position 1987, C replaced by T.
Protein change: p.Pro663Ser; replaces proline 663 with serine.
Molecular consequence: missense variant.
Genome position (GRCh38, 1-based): chr2:148,469,930, C>T. VCF-style: chr2-148469930-C-T. GRCh37 (hg19) VCF-style: chr2-149227499-C-T.
Other names: c.1987C>T, p.Pro663Ser (NM_018328.5); short protein forms P663S.
Identifiers: ClinVar variation 381255 (VCV000381255.10), dbSNP rs1057520996, ClinGen allele CA16603831.